The following is an entry in ClinVar:

ClinVar aggregate classification (germline): Likely pathogenic (0 of 4 stars; one submission).

Conditions:
Autosomal recessive cutis laxa type 2D. Also called: CUTIS LAXA, AUTOSOMAL RECESSIVE, TYPE IID. Identifiers: MedGen C4479409, MONDO:0027451, OMIM 617403.

Submission:

Solve-RD Consortium
Classification: Likely pathogenic for Autosomal recessive cutis laxa type 2D. Last evaluated: 2022-06-01. Review status: no assertion criteria provided. Collection method: provider interpretation. Allele origin: inherited. Affected: yes.
Comment: Variant confirmed as disease-causing by referring clinical team

Variant identified during reanalysis of unsolved cases by the Solve-RD project. The Solve-RD project has received funding from the European Union’s Horizon 2020 research and innovation programme under grant agreement No 779257.

Literature cited by the submitters: PubMed 39825153.

NM_001690.4(ATP6V1A):c.841G>A (p.Gly281Arg)

Gene: ATP6V1A (ATPase H+ transporting V1 subunit A; plus strand). Cytogenetic location: 3q13.31.
Variant type: single nucleotide variant.
Coding change: c.841G>A on transcript NM_001690.4 (MANE Select); coding-DNA position 841, G replaced by A.
Protein change: p.Gly281Arg; replaces glycine 281 with arginine.
Molecular consequence: missense variant.
Genome position (GRCh38, 1-based): chr3:113,788,837, G>A. VCF-style: chr3-113788837-G-A. GRCh37 (hg19) VCF-style: chr3-113507684-G-A.
Other names: short protein forms G281R.
Identifiers: ClinVar variation 3256729 (VCV003256729.1).